The following is an entry in ClinVar:

NM_001079866.2(BCS1L):c.580C>T (p.Gln194Ter)

Gene: BCS1L (BCS1 ubiquinol-cytochrome c reductase complex chaperone; plus strand). Cytogenetic location: 2q35.
Variant type: single nucleotide variant.
Coding change: c.580C>T on transcript NM_001079866.2 (MANE Select); coding-DNA position 580, C replaced by T.
Protein change: p.Gln194Ter; replaces glutamine 194 with a stop codon.
Molecular consequence: nonsense. On other transcripts: non-coding transcript variant (1).
Genome position (GRCh38, 1-based): chr2:218,661,878, C>T. VCF-style: chr2-218661878-C-T. GRCh37 (hg19) VCF-style: chr2-219526601-C-T.
Other names: c.580C>T, p.Gln194Ter (NM_001257342.2, NM_001257343.2, NM_001257344.2 and 10 more transcripts); c.220C>T, p.Gln74Ter (NM_001318836.2, NM_001371451.1); c.79C>T, p.Gln27Ter (NM_001371452.1, NM_001371453.1, NM_001371454.1 and 3 more transcripts); short protein forms Q194*, Q27*, Q74*.
Identifiers: ClinVar variation 2680150 (VCV002680150.3), dbSNP rs1939496203, ClinGen allele CA350627403.

ClinVar aggregate classification (germline): Likely pathogenic. Review status: criteria provided, multiple submitters, no conflicts (2 of 4 stars). 3 submissions from 3 submitters: Likely pathogenic (3). Last evaluated 2025-05-12.

Conditions:
Mitochondrial complex III deficiency nuclear type 1. Identifiers: Orphanet 254902, MedGen C3541471, MONDO:0007415, OMIM 124000.
Pili torti-deafness syndrome (BJS). Also called: PILI TORTI AND NERVE DEAFNESS; Bjornstad syndrome. Identifiers: Orphanet 123, MedGen C0266006, MONDO:0009872, OMIM 262000.
GRACILE syndrome (FLNMS). Also called: FELLMAN SYNDROME; FINNISH LETHAL NEONATAL METABOLIC SYNDROME. Identifiers: Orphanet 53693, MedGen C1864002, MONDO:0011308, OMIM 603358.

Allele frequency attached by ClinVar (database versions not stated): TOPMed below 0.00001.

Submissions (3):

Natera, Inc.
Classification: Likely pathogenic for GRACILE syndrome. Last evaluated: 2025-05-12. Review status: criteria provided, single submitter. Criteria: Natera Variant Classification Schema (03/2026). Collection method: clinical testing. Allele origin: germline.
Comment: The c.580C>T variant in BCS1L is a nonsense variant predicted to introduce a stop codon at amino acid 194. This variant is expected to result in nonsense mediated decay, truncation, or a dysfunctional protein product. This variant is rare in the general population with a frequency below the threshold expected for the associated phenotype(s). Given the available evidence, this variant is classified as Likely Pathogenic.

Fulgent Genetics
Classification: Likely pathogenic for Mitochondrial complex III deficiency nuclear type 1; Pili torti-deafness syndrome; GRACILE syndrome. Last evaluated: 2024-01-30. Review status: criteria provided, single submitter. Criteria: ACMG Guidelines, 2015. Collection method: clinical testing. Allele origin: germline.

Baylor Genetics
Classification: Likely pathogenic for Pili torti-deafness syndrome. Last evaluated: 2023-08-01. Review status: criteria provided, single submitter. Criteria: ACMG Guidelines, 2015. Collection method: clinical testing. Allele origin: unknown.